The following is an entry in ClinVar:

NM_001267550.2(TTN):c.42151+3A>G

Gene: TTN (titin; minus strand). Cytogenetic location: 2q31.2.
Variant type: single nucleotide variant.
Coding change: c.42151+3A>G on transcript NM_001267550.2 (MANE Select); 3 bases into the intron after coding-DNA position 42151, A replaced by G.
Molecular consequence: intron variant.
Genome position (GRCh38, 1-based): chr2:178,634,720, T>C on the plus strand (A>G on the coding strand, the complement: TTN is on the minus strand). VCF-style: chr2-178634720-T-C. GRCh37 (hg19) VCF-style: chr2-179499447-T-C.
Other names: c.14956+3A>G (NM_003319.4); c.15532+3A>G (NM_133437.4); c.15331+3A>G (NM_133432.3); c.34447+3A>G (NM_133378.4); c.37228+3A>G (NM_001256850.1).
Identifiers: ClinVar variation 954773 (VCV000954773.10), dbSNP rs770439451, ClinGen allele CA1996143.

ClinVar aggregate classification (germline): Uncertain significance (1 of 4 stars; one submission).

Conditions:
Dilated cardiomyopathy 1G (CMD1G). Identifiers: Orphanet 154, MedGen C1858763, MONDO:0011400, OMIM 604145.
Autosomal recessive limb-girdle muscular dystrophy type 2J (LGMDR10). Also called: Limb-girdle muscular dystrophy, type 2J; MUSCULAR DYSTROPHY, LIMB-GIRDLE, AUTOSOMAL RECESSIVE 10. Identifiers: Orphanet 140922, MedGen C1837342, MONDO:0012127, OMIM 608807.

Allele frequency attached by ClinVar (database versions not stated): gnomAD exomes below 0.00001; ExAC 0.00001.
gnomAD v4.1: 2 of 1,613,054 alleles (0.00012%); highest among the groups gnomAD compares: Admixed American, 0.0017%; no homozygotes.

Submission:

Labcorp Genetics (formerly Invitae), Labcorp
Classification: Uncertain significance for Dilated cardiomyopathy 1G; Autosomal recessive limb-girdle muscular dystrophy type 2J. Last evaluated: 2025-11-17. Review status: criteria provided, single submitter. Criteria: Invitae Variant Classification Sherloc (09022015). Collection method: clinical testing. Allele origin: germline.
Comment: This sequence change falls in intron 229 of the TTN gene. It does not directly change the encoded amino acid sequence of the TTN protein. It affects a nucleotide within the consensus splice site. This variant is present in population databases (rs770439451, gnomAD 0.003%). This variant has not been reported in the literature in individuals affected with TTN-related conditions. ClinVar contains an entry for this variant (Variation ID: 954773). Variants that disrupt the consensus splice site are a relatively common cause of aberrant splicing (PMID: 17576681, 9536098). Algorithms developed to predict the effect of sequence changes on RNA splicing suggest that this variant is not likely to affect RNA splicing. This variant is located in the I band of TTN (PMID: 25589632). Non-truncating variants in this region may be clinically relevant, but have not been definitively shown to cause cardiomyopathy or neuromuscular disease (PMID: 27493940, 32778822). In summary, the available evidence is currently insufficient to determine the role of this variant in disease. Therefore, it has been classified as a Variant of Uncertain Significance.

Literature cited by the submitters: PubMed 17576681; PubMed 9536098; PubMed 25589632; PubMed 27493940; PubMed 32778822.